The following is an entry in ClinVar:

NM_001395413.1(POR):c.1816C>T (p.Gln606Ter)

Gene: POR (cytochrome p450 oxidoreductase; plus strand). Cytogenetic location: 7q11.23.
Variant type: single nucleotide variant.
Coding change: c.1816C>T on transcript NM_001395413.1 (MANE Select); coding-DNA position 1816, C replaced by T.
Protein change: p.Gln606Ter; replaces glutamine 606 with a stop codon.
Molecular consequence: nonsense.
Genome position (GRCh38, 1-based): chr7:75,986,168, C>T. VCF-style: chr7-75986168-C-T. GRCh37 (hg19) VCF-style: chr7-75615486-C-T.
Other names: c.1825C>T (NM_000941.3, NM_000941.2); c.1816C>T, p.Gln606Ter (NM_001367562.3, NM_001382657.2, NM_001382658.3 and 1 more transcripts); c.1870C>T, p.Gln624Ter (NM_001382655.3); c.1666C>T, p.Gln556Ter (NM_001382662.3); short protein forms Q556*, Q606*, Q624*.
Identifiers: ClinVar variation 1324955 (VCV001324955.12), dbSNP rs782261248, ClinGen allele CA4304310.

ClinVar aggregate classification (germline): Pathogenic/Likely pathogenic. Review status: criteria provided, multiple submitters, no conflicts (2 of 4 stars). 5 submissions from 5 submitters: Pathogenic (3); Likely pathogenic (2). Last evaluated 2026-05-18.

Conditions:
Antley-Bixler syndrome with genital anomalies and disordered steroidogenesis (ABS1). Also called: POR Deficiency. Identifiers: Orphanet 63269, MedGen C3150099, MONDO:0008726, OMIM 201750.
Congenital adrenal hyperplasia due to cytochrome P450 oxidoreductase deficiency. Also called: DISORDERED STEROIDOGENESIS DUE TO POR DEFICIENCY. Identifiers: Orphanet 95699, MedGen C1860042, MONDO:0013310, OMIM 613571.

Allele frequency attached by ClinVar (database versions not stated): gnomAD exomes 0.00001; gnomAD 0.00004 and 0.00006; TOPMed 0.00005; ExAC 0.00001.
gnomAD v4.1: 17 of 1,611,300 alleles (0.0011%); highest among the groups gnomAD compares: Non-Finnish European, 0.0012%; no homozygotes.

Submissions (5):

GeneDx
Classification: Pathogenic. Last evaluated: 2026-05-18. Review status: criteria provided, single submitter. Criteria: GeneDx Variant Classification Process June 2021. Collection method: clinical testing. Allele origin: germline.
Comment: Nonsense variant predicted to result in protein truncation or nonsense mediated decay in a gene for which loss of function is a known mechanism of disease; This variant is associated with the following publications: (PMID: 29754767, 32242900)

Labcorp Genetics (formerly Invitae), Labcorp
Classification: Pathogenic for Congenital adrenal hyperplasia due to cytochrome P450 oxidoreductase deficiency. Last evaluated: 2025-10-21. Review status: criteria provided, single submitter. Criteria: Invitae Variant Classification Sherloc (09022015). Collection method: clinical testing. Allele origin: germline.
Comment: This sequence change creates a premature translational stop signal (p.Gln609*) in the POR gene. It is expected to result in an absent or disrupted protein product. Loss-of-function variants in POR are known to be pathogenic (PMID: 14758361, 20732302, 21741353). This variant is present in population databases (rs782261248, gnomAD 0.003%). This premature translational stop signal has been observed in individual(s) with clinical features of cytochrome P450 oxidoreductase deficiency (PMID: 32242900). ClinVar contains an entry for this variant (Variation ID: 1324955). For these reasons, this variant has been classified as Pathogenic.

Fulgent Genetics
Classification: Likely pathogenic for Antley-Bixler syndrome with genital anomalies and disordered steroidogenesis; Congenital adrenal hyperplasia due to cytochrome P450 oxidoreductase deficiency. Last evaluated: 2024-01-15. Review status: criteria provided, single submitter. Criteria: ACMG Guidelines, 2015. Collection method: clinical testing. Allele origin: germline.

Laboratorio de Genetica e Diagnostico Molecular, Hospital Israelita Albert Einstein
Classification: Pathogenic for Antley-Bixler syndrome with genital anomalies and disordered steroidogenesis. Last evaluated: 2023-01-12. Review status: criteria provided, single submitter. Criteria: ACMG Guidelines, 2015. Collection method: clinical testing. Allele origin: germline. Affected: yes. Observed: 1 variant allele.
Comment: ACMG classification criteria: PVS1 very strong, PM2 moderated, PP1 supporting

Revvity Omics, Revvity
Classification: Likely pathogenic. Last evaluated: 2019-12-10. Review status: criteria provided, single submitter. Criteria: ACMG Guidelines, 2015. Collection method: clinical testing. Allele origin: germline.

Literature cited by the submitters: PubMed 14758361 (cited by Labcorp Genetics (formerly Invitae), Labcorp); PubMed 20732302 (cited by Labcorp Genetics (formerly Invitae), Labcorp); PubMed 21741353 (cited by Labcorp Genetics (formerly Invitae), Labcorp); PubMed 32242900 (cited by Labcorp Genetics (formerly Invitae), Labcorp).